The following is an entry in ClinVar:

ClinVar aggregate classification (germline): Uncertain significance (1 of 4 stars; one submission).

Submission:

Labcorp Genetics (formerly Invitae), Labcorp
Classification: Uncertain significance. Last evaluated: 2025-12-15. Review status: criteria provided, single submitter. Criteria: Invitae Variant Classification Sherloc (09022015). Collection method: clinical testing. Allele origin: germline.
Comment: This sequence change replaces valine, which is neutral and non-polar, with alanine, which is neutral and non-polar, at codon 184 of the AMER1 protein (p.Val184Ala). This variant is not present in population databases (gnomAD no frequency). This variant has not been reported in the literature in individuals affected with AMER1-related conditions. An algorithm developed to predict the effect of missense changes on protein structure and function (PolyPhen-2) suggests that this variant is likely to be tolerated. In summary, the available evidence is currently insufficient to determine the role of this variant in disease. Therefore, it has been classified as a Variant of Uncertain Significance.

NM_152424.4(AMER1):c.551T>C (p.Val184Ala)

Gene: AMER1 (APC membrane recruitment protein 1; minus strand). Cytogenetic location: Xq11.2.
Variant type: single nucleotide variant.
Coding change: c.551T>C on transcript NM_152424.4 (MANE Select); coding-DNA position 551, T replaced by C.
Protein change: p.Val184Ala; replaces valine 184 with alanine.
Molecular consequence: missense variant.
Genome position (GRCh38, 1-based): chrX:64,192,736, A>G on the plus strand (T>C on the coding strand, the complement: AMER1 is on the minus strand). VCF-style: chrX-64192736-A-G. GRCh37 (hg19) VCF-style: chrX-63412616-A-G.
Other names: short protein forms V184A.
Identifiers: ClinVar variation 4732767 (VCV004732767.1).